The following is an entry in ClinVar:

NM_001374259.2(IL12RB2):c.194G>A (p.Arg65His)

Gene: IL12RB2 (interleukin 12 receptor subunit beta 2; plus strand). Cytogenetic location: 1p31.3.
Variant type: single nucleotide variant.
Coding change: c.194G>A on transcript NM_001374259.2 (MANE Select); coding-DNA position 194, G replaced by A.
Protein change: p.Arg65His; replaces arginine 65 with histidine.
Molecular consequence: missense variant. On other transcripts: non-coding transcript variant (2).
Genome position (GRCh38, 1-based): chr1:67,321,719, G>A. VCF-style: chr1-67321719-G-A. GRCh37 (hg19) VCF-style: chr1-67787402-G-A.
Other names: c.194G>A, p.Arg65His (NM_001258214.1, NM_001258215.1, NM_001258216.1 and 2 more transcripts); short protein forms R65H.
Identifiers: ClinVar variation 2975994 (VCV002975994.3), dbSNP rs766661899, ClinGen allele CA900140.

ClinVar aggregate classification (germline): Uncertain significance (1 of 4 stars; one submission).

Allele frequency attached by ClinVar (database versions not stated): ExAC 0.00001; gnomAD 0.00002; TOPMed 0.00002.
gnomAD v4.1: 33 of 1,611,230 alleles (0.002%); highest among the groups gnomAD compares: East Asian, 0.045%; 1 homozygote.

Submission:

Labcorp Genetics (formerly Invitae), Labcorp
Classification: Uncertain significance. Last evaluated: 2025-05-04. Review status: criteria provided, single submitter. Criteria: Invitae Variant Classification Sherloc (09022015). Collection method: clinical testing. Allele origin: germline.
Comment: This sequence change replaces arginine, which is basic and polar, with histidine, which is basic and polar, at codon 65 of the IL12RB2 protein (p.Arg65His). This variant is present in population databases (rs766661899, gnomAD 0.02%). This variant has not been reported in the literature in individuals affected with IL12RB2-related conditions. ClinVar contains an entry for this variant (Variation ID: 2975994). An algorithm developed to predict the effect of missense changes on protein structure and function outputs the following: PolyPhen-2: "Benign". The histidine amino acid residue is found in multiple mammalian species, which suggests that this missense change does not adversely affect protein function. In summary, the available evidence is currently insufficient to determine the role of this variant in disease. Therefore, it has been classified as a Variant of Uncertain Significance.